The following is an entry in ClinVar:

NM_001367624.2(ZNF469):c.5990C>T (p.Thr1997Ile)

Gene: ZNF469 (zinc finger protein 469; plus strand). Cytogenetic location: 16q24.2.
Variant type: single nucleotide variant.
Coding change: c.5990C>T on transcript NM_001367624.2 (MANE Select); coding-DNA position 5990, C replaced by T.
Protein change: p.Thr1997Ile; replaces threonine 1997 with isoleucine.
Molecular consequence: missense variant.
Genome position (GRCh38, 1-based): chr16:88,433,460, C>T. VCF-style: chr16-88433460-C-T. GRCh37 (hg19) VCF-style: chr16-88499868-C-T.
Other names: short protein forms T1997I.
Identifiers: ClinVar variation 2106174 (VCV002106174.2), dbSNP rs1202356153, ClinGen allele CA397103511.

ClinVar aggregate classification (germline): Uncertain significance. Review status: criteria provided, multiple submitters, no conflicts (2 of 4 stars). 2 submissions from 2 submitters: Uncertain significance (2). Last evaluated 2025-10-10.

Allele frequency attached by ClinVar (database versions not stated): TOPMed 0.00001.

Submissions (2):

Women's Health and Genetics/Laboratory Corporation of America, LabCorp
Classification: Uncertain significance. Last evaluated: 2025-10-10. Review status: criteria provided, single submitter. Criteria: LabCorp Variant Classification Summary - May 2015. Collection method: clinical testing. Allele origin: germline.
Comment: Variant summary: ZNF469 c.5990C>T (p.Thr1997Ile) results in a non-conservative amino acid change in the encoded protein sequence. Algorithms developed to predict the effect of missense changes on protein structure and function are either unavailable or do not agree on the potential impact of this missense change. The variant was absent in 153510 control chromosomes. The available data on variant occurrences in the general population are insufficient to allow any conclusion about variant significance. To our knowledge, no occurrence of c.5990C>T in individuals affected with ZNF469-related conditions and no experimental evidence demonstrating its impact on protein function have been reported. ClinVar contains an entry for this variant (Variation ID: 2106174). Based on the evidence outlined above, the variant was classified as uncertain significance.

Labcorp Genetics (formerly Invitae), Labcorp
Classification: Uncertain significance. Last evaluated: 2022-07-13. Review status: criteria provided, single submitter. Criteria: Invitae Variant Classification Sherloc (09022015). Collection method: clinical testing. Allele origin: germline.
Comment: This sequence change replaces threonine, which is neutral and polar, with isoleucine, which is neutral and non-polar, at codon 1969 of the ZNF469 protein (p.Thr1969Ile). This variant is not present in population databases (gnomAD no frequency). This variant has not been reported in the literature in individuals affected with ZNF469-related conditions. Algorithms developed to predict the effect of missense changes on protein structure and function (SIFT, PolyPhen-2, Align-GVGD) all suggest that this variant is likely to be tolerated. In summary, the available evidence is currently insufficient to determine the role of this variant in disease. Therefore, it has been classified as a Variant of Uncertain Significance.